The following is an entry in ClinVar:

ClinVar aggregate classification (germline): Likely pathogenic (1 of 4 stars; one submission).

Conditions:
Aortic aneurysm, familial thoracic 7 (AAT7). Also called: AORTIC DISSECTION, FAMILIAL, WITH OR WITHOUT AORTIC ANEURYSM. Identifiers: MedGen C3151077, MONDO:0013418, OMIM 613780.

gnomAD v4.1: 6 of 1,614,078 alleles (0.00037%); highest among the groups gnomAD compares: Non-Finnish European, 0.00051%; no homozygotes.

Submission:

Labcorp Genetics (formerly Invitae), Labcorp
Classification: Likely pathogenic for Aortic aneurysm, familial thoracic 7. Last evaluated: 2025-05-10. Review status: criteria provided, single submitter. Criteria: Invitae Variant Classification Sherloc (09022015). Collection method: clinical testing. Allele origin: germline.
Comment: This sequence change affects an acceptor splice site in intron 32 of the MYLK gene. This variant occurs within the aortic-specific isoform of MYLK. Loss-of-function variants in the aortic-specific isoform of MYLK are known to be pathogenic for thoracic aortic dissections (PMID: 21055718). This variant is not present in population databases (gnomAD no frequency). This variant has not been reported in the literature in individuals affected with MYLK-related conditions. Algorithms developed to predict the effect of sequence changes on RNA splicing suggest that this variant may disrupt the consensus splice site. In summary, the currently available evidence indicates that the variant is pathogenic, but additional data are needed to prove that conclusively. Therefore, this variant has been classified as Likely Pathogenic.

Literature cited by the submitters: PubMed 21055718.

NM_053025.4(MYLK):c.5369-2A>G

Genes: MYLK (myosin light chain kinase; minus strand), MYLK-AS1 (MYLK antisense RNA 1; plus strand). Cytogenetic location: 3q21.1.
Variant type: single nucleotide variant.
Coding change: c.5369-2A>G on transcript NM_053025.4 (MANE Select); the canonical splice acceptor site of the intron before coding-DNA position 5369, A replaced by G.
Molecular consequence: splice acceptor variant. On other transcripts: intron variant (2).
Genome position (GRCh38, 1-based): chr3:123,618,772, T>C on the plus strand (A>G on the coding strand, the complement: MYLK is on the minus strand). VCF-style: chr3-123618772-T-C. GRCh37 (hg19) VCF-style: chr3-123337619-T-C.
Other names: c.4841-2A>G (NM_001321309.2); c.5009-2A>G (NM_053028.4); c.5162-2A>G (NM_053026.4); c.5216-2A>G (NM_053027.4); c.89-5A>G (NM_001438035.1, NM_053031.4); c.89-2A>G (NM_053032.4).
Identifiers: ClinVar variation 4707801 (VCV004707801.1).
Genomic context (GRCh38, chr3:123,618,772, plus strand): 5'-GGGTTTTACATGAGGCTTTTCCTCAGCAACAGCCTCAAGGAAAGCTTGGGACACATCTTC[T>C]AGAAGACAGAGAAGAAGACCAGGTCATTTCTTCACTCGTTGTTCTCGCCTCGCCTCTAGC-3'